The following is an entry in ClinVar:

NM_032802.4(SPPL2A):c.66+5G>C

Genes: SPPL2A (signal peptide peptidase like 2A; minus strand), LOC130057047 (ATAC-STARR-seq lymphoblastoid silent region 6430; plus strand). Cytogenetic location: 15q21.2.
Variant type: single nucleotide variant.
Coding change: c.66+5G>C on transcript NM_032802.4 (MANE Select); 5 bases into the intron after coding-DNA position 66, G replaced by C.
Molecular consequence: intron variant.
Genome position (GRCh38, 1-based): chr15:50,765,463, C>G on the plus strand (G>C on the coding strand, the complement: SPPL2A is on the minus strand). VCF-style: chr15-50765463-C-G. GRCh37 (hg19) VCF-style: chr15-51057660-C-G.
Identifiers: ClinVar variation 1961517 (VCV001961517.5), dbSNP rs777466826, ClinGen allele CA2580089726.

ClinVar aggregate classification (germline): Uncertain significance (1 of 4 stars; one submission).

Submission:

Labcorp Genetics (formerly Invitae), Labcorp
Classification: Uncertain significance. Last evaluated: 2024-10-24. Review status: criteria provided, single submitter. Criteria: Invitae Variant Classification Sherloc (09022015). Collection method: clinical testing. Allele origin: germline.
Comment: This sequence change falls in intron 1 of the SPPL2A gene. It does not directly change the encoded amino acid sequence of the SPPL2A protein. It affects a nucleotide within the consensus splice site. This variant is not present in population databases (gnomAD no frequency). This variant has not been reported in the literature in individuals affected with SPPL2A-related conditions. ClinVar contains an entry for this variant (Variation ID: 1961517). Variants that disrupt the consensus splice site are a relatively common cause of aberrant splicing (PMID: 17576681, 9536098). Algorithms developed to predict the effect of sequence changes on RNA splicing suggest that this variant is not likely to affect RNA splicing. In summary, the available evidence is currently insufficient to determine the role of this variant in disease. Therefore, it has been classified as a Variant of Uncertain Significance.

Literature cited by the submitters: PubMed 17576681; PubMed 9536098.